The following is an entry in ClinVar:

NM_006904.7(PRKDC):c.3541A>G (p.Thr1181Ala)

Gene: PRKDC (protein kinase, DNA-activated, catalytic subunit; minus strand). Cytogenetic location: 8q11.21.
Variant type: single nucleotide variant.
Coding change: c.3541A>G on transcript NM_006904.7 (MANE Select); coding-DNA position 3541, A replaced by G.
Protein change: p.Thr1181Ala; replaces threonine 1181 with alanine.
Molecular consequence: missense variant.
Genome position (GRCh38, 1-based): chr8:47,897,218, T>C on the plus strand (A>G on the coding strand, the complement: PRKDC is on the minus strand). VCF-style: chr8-47897218-T-C. GRCh37 (hg19) VCF-style: chr8-48809778-T-C.
Other names: c.3541A>G, p.Thr1181Ala (NM_001081640.2); short protein forms T1181A.
Identifiers: ClinVar variation 1732481 (VCV001732481.2), dbSNP rs2551874778, ClinGen allele CA371153579.

ClinVar aggregate classification (germline): Uncertain significance (1 of 4 stars; one submission).

Allele frequency attached by ClinVar (database versions not stated): gnomAD exomes 0.00001.
gnomAD v4.1: 8 of 1,609,288 alleles (0.0005%); highest among the groups gnomAD compares: South Asian, 0.0011%; no homozygotes.

Submission:

Ambry Genetics
Classification: Uncertain significance. Last evaluated: 2022-06-01. Review status: criteria provided, single submitter. Criteria: Ambry Variant Classification Scheme 2023. Collection method: clinical testing. Allele origin: germline.
Comment: The p.T1181A variant (also known as c.3541A>G), located in coding exon 30 of the PRKDC gene, results from an A to G substitution at nucleotide position 3541. The threonine at codon 1181 is replaced by alanine, an amino acid with similar properties. This amino acid position is conserved. In addition, the in silico prediction for this alteration is inconclusive. Since supporting evidence is limited at this time, the clinical significance of this alteration remains unclear.